The following is an entry in ClinVar:

NM_004168.4(SDHA):c.1795-15T>C

Gene: SDHA (succinate dehydrogenase complex flavoprotein subunit A; plus strand). Cytogenetic location: 5p15.33.
Variant type: single nucleotide variant.
Coding change: c.1795-15T>C on transcript NM_004168.4 (MANE Select); 15 bases into the intron before coding-DNA position 1795, T replaced by C.
Molecular consequence: intron variant.
Genome position (GRCh38, 1-based): chr5:254,378, T>C. VCF-style: chr5-254378-T-C. GRCh37 (hg19) VCF-style: chr5-254493-T-C.
Other names: c.1552-15T>C (NM_001330758.2); c.1651-15T>C (NM_001294332.2).
Identifiers: ClinVar variation 3904421 (VCV003904421.1).

ClinVar aggregate classification (germline): Likely benign (1 of 4 stars; one submission).

Conditions:
Pheochromocytoma/paraganglioma syndrome 5. Also called: Paragangliomas 5; SDHA-Related Hereditary Paraganglioma-Pheochromocytoma Syndrome. Identifiers: Orphanet 29072, MedGen C3279992, MONDO:0013602, OMIM 614165.

Submission:

Myriad Genetics, Inc.
Classification: Likely benign for Pheochromocytoma/paraganglioma syndrome 5. Last evaluated: 2025-03-11. Review status: criteria provided, single submitter. Criteria: Myriad Autosomal Dominant, Autosomal Recessive and X-Linked Classification Criteria (2023). Collection method: clinical testing. Allele origin: unknown.
Comment: This variant is considered likely benign. This variant is intronic and is not expected to impact mRNA splicing.